The following is an entry in ClinVar:

NM_000388.4(CASR):c.754A>T (p.Ile252Phe)

Gene: CASR (calcium sensing receptor; plus strand). Cytogenetic location: 3q21.1.
Variant type: single nucleotide variant.
Coding change: c.754A>T on transcript NM_000388.4 (MANE Select); coding-DNA position 754, A replaced by T.
Protein change: p.Ile252Phe; replaces isoleucine 252 with phenylalanine.
Molecular consequence: missense variant.
Genome position (GRCh38, 1-based): chr3:122,261,789, A>T. VCF-style: chr3-122261789-A-T. GRCh37 (hg19) VCF-style: chr3-121980636-A-T.
Other names: c.754A>T, p.Ile252Phe (NM_001178065.2); short protein forms I252F.
Identifiers: ClinVar variation 1759467 (VCV001759467.2), dbSNP rs2107632219, ClinGen allele CA354151282.

ClinVar aggregate classification (germline): Uncertain significance (1 of 4 stars; one submission).

Conditions:
Nephrolithiasis/nephrocalcinosis. Identifiers: MedGen CN580796.

Submission:

Ambry Genetics
Classification: Uncertain significance for Nephrolithiasis/nephrocalcinosis. Last evaluated: 2022-03-02. Review status: criteria provided, single submitter. Criteria: Ambry Variant Classification Scheme 2023. Collection method: clinical testing. Allele origin: germline.
Comment: The p.I252F variant (also known as c.754A>T), located in coding exon 3 of the CASR gene, results from an A to T substitution at nucleotide position 754. The isoleucine at codon 252 is replaced by phenylalanine, an amino acid with highly similar properties. This amino acid position is conserved. In addition, this alteration is predicted to be deleterious by in silico analysis. Since supporting evidence is limited at this time, the clinical significance of this alteration remains unclear.